The following is an entry in ClinVar:

NM_015965.7(NDUFA13):c.313_315+15dup

Gene: NDUFA13 (NADH:ubiquinone oxidoreductase subunit A13; plus strand). Cytogenetic location: 19p13.11.
Variant type: Duplication.
Coding change: c.313_315+15dup on transcript NM_015965.7 (MANE Select); coding-DNA position 313 through 15 bases into the intron after coding-DNA position 315, 18 bases duplicated (AAGGTGGGTCCCGGCTGG).
Molecular consequence: splice donor variant.
Genome position (GRCh38, 1-based): chr19:19,527,768-19,527,785, AAGGTGGGTCCCGGCTGG duplicated; duplicating any 18 consecutive bases within chr19:19,527,764-19,527,785 gives the same sequence; the c. name uses the placement nearest the transcript's 3' end. VCF-style (leftmost placement, unchanged base first): chr19-19527763-A-ACTGGAAGGTGGGTCCCGG. GRCh37 (hg19) VCF-style: chr19-19638572-A-ACTGGAAGGTGGGTCCCGG.
Identifiers: ClinVar variation 2023028 (VCV002023028.4), dbSNP rs1270593048, ClinGen allele CA632628579.

ClinVar aggregate classification (germline): Uncertain significance (1 of 4 stars; one submission).

Submission:

Labcorp Genetics (formerly Invitae), Labcorp
Classification: Uncertain significance. Last evaluated: 2022-07-23. Review status: criteria provided, single submitter. Criteria: Invitae Variant Classification Sherloc (09022015). Collection method: clinical testing. Allele origin: germline.
Comment: Algorithms developed to predict the effect of sequence changes on RNA splicing suggest that this variant may disrupt the consensus splice site. This sequence change falls in intron 4 of the NDUFA13 gene. It does not directly change the encoded amino acid sequence of the NDUFA13 protein. This variant is present in population databases (no rsID available, gnomAD 0.01%). This variant has not been reported in the literature in individuals affected with NDUFA13-related conditions. In summary, the available evidence is currently insufficient to determine the role of this variant in disease. Therefore, it has been classified as a Variant of Uncertain Significance.